The following is an entry in ClinVar:

ClinVar aggregate classification (germline): Benign/Likely benign. Review status: criteria provided, multiple submitters, no conflicts (2 of 4 stars). 6 submissions from 5 submitters: Benign (4); Likely benign (2). Last evaluated 2026-01-12.

Conditions:
Pseudoachondroplastic spondyloepiphyseal dysplasia syndrome (PSACH). Also called: COMP-Related Pseudoachondroplasia; PSEUDOACHONDROPLASTIC DYSPLASIA; Pseudoachondroplasia. Identifiers: Orphanet 750, MedGen C0410538, MONDO:0008322, OMIM 177170.
Multiple epiphyseal dysplasia type 1. Also called: COMP-Related Multiple Epiphyseal Dysplasia. Identifiers: Orphanet 93308, MedGen C1838280, MONDO:0007561, OMIM 132400.

Allele frequency attached by ClinVar (database versions not stated): ESP Exome Variant Server 0.00300; TOPMed 0.00311; 1000 Genomes Project 30x 0.00422; 1000 Genomes Project 0.00479.

Submissions (6):

Labcorp Genetics (formerly Invitae), Labcorp
Classification: Benign. Last evaluated: 2026-01-12. Review status: criteria provided, single submitter. Criteria: Invitae Variant Classification Sherloc (09022015). Collection method: clinical testing. Allele origin: germline.

ARUP Laboratories, Molecular Genetics and Genomics, ARUP Laboratories
Classification: Benign. Last evaluated: 2021-06-11. Review status: criteria provided, single submitter. Criteria: ARUP Molecular Germline Variant Investigation Process 2021. Collection method: clinical testing. Allele origin: germline.

GeneDx
Classification: Likely benign. Last evaluated: 2019-05-25. Review status: criteria provided, single submitter. Criteria: GeneDx Variant Classification Process June 2021. Collection method: clinical testing. Allele origin: germline. Affected: yes.

Illumina Laboratory Services, Illumina
Classification: Benign for Multiple epiphyseal dysplasia type 1. Last evaluated: 2018-01-13. Review status: criteria provided, single submitter. Criteria: ICSL Variant Classification Criteria 13 December 2019. Collection method: clinical testing. Allele origin: germline.
Comment: This variant was observed in the ICSL laboratory as part of a predisposition screen in an ostensibly healthy population. It had not been previously curated by ICSL or reported in the Human Gene Mutation Database (HGMD: prior to June 1st, 2018), and was therefore a candidate for classification through an automated scoring system. Utilizing variant allele frequency, disease prevalence and penetrance estimates, and inheritance mode, an automated score was calculated to assess if this variant is too frequent to cause the disease. Based on the score and internal cut-off values, a variant classified as benign is not then subjected to further curation. The score for this variant resulted in a classification of benign for this disease.

Illumina Laboratory Services, Illumina
Classification: Benign for Pseudoachondroplastic spondyloepiphyseal dysplasia syndrome. Last evaluated: 2018-01-13. Review status: criteria provided, single submitter. Criteria: ICSL Variant Classification Criteria 13 December 2019. Collection method: clinical testing. Allele origin: germline.
Comment: the same text as in the submission from Illumina Laboratory Services, Illumina above.

Breakthrough Genomics
Classification: Likely benign. Review status: criteria provided, single submitter. Criteria: ACMG Guidelines, 2015. Collection method: not provided. Allele origin: germline. Inheritance: Autosomal dominant inheritance. Affected: yes.

NM_000095.3(COMP):c.1668+13T>A

Gene: COMP (cartilage oligomeric matrix protein; minus strand). Cytogenetic location: 19p13.11.
Variant type: single nucleotide variant.
Coding change: c.1668+13T>A on transcript NM_000095.3 (MANE Select); 13 bases into the intron after coding-DNA position 1668, T replaced by A.
Molecular consequence: intron variant.
Genome position (GRCh38, 1-based): chr19:18,785,660, A>T on the plus strand (T>A on the coding strand, the complement: COMP is on the minus strand). VCF-style: chr19-18785660-A-T. GRCh37 (hg19) VCF-style: chr19-18896470-A-T.
Identifiers: ClinVar variation 328614 (VCV000328614.57), dbSNP rs74432818, ClinGen allele CA9316334.